The following is an entry in ClinVar:

ClinVar aggregate classification (germline): Uncertain significance (1 of 4 stars; one submission).

gnomAD v4.1: 4 of 1,613,598 alleles (0.00025%); highest among the groups gnomAD compares: African/African-American, 0.0053%; no homozygotes.

Submission:

Labcorp Genetics (formerly Invitae), Labcorp
Classification: Uncertain significance. Last evaluated: 2025-03-04. Review status: criteria provided, single submitter. Criteria: Invitae Variant Classification Sherloc (09022015). Collection method: clinical testing. Allele origin: germline.
Comment: This sequence change replaces alanine, which is neutral and non-polar, with proline, which is neutral and non-polar, at codon 401 of the COL4A4 protein (p.Ala401Pro). This variant is not present in population databases (gnomAD no frequency). This variant has not been reported in the literature in individuals affected with COL4A4-related conditions. Invitae Evidence Modeling of protein sequence and biophysical properties (such as structural, functional, and spatial information, amino acid conservation, physicochemical variation, residue mobility, and thermodynamic stability) indicates that this missense variant is not expected to disrupt COL4A4 protein function with a negative predictive value of 95%. In summary, the available evidence is currently insufficient to determine the role of this variant in disease. Therefore, it has been classified as a Variant of Uncertain Significance.

NM_000092.5(COL4A4):c.1201G>C (p.Ala401Pro)

Gene: COL4A4 (collagen type IV alpha 4 chain; minus strand). Cytogenetic location: 2q36.3.
Variant type: single nucleotide variant.
Coding change: c.1201G>C on transcript NM_000092.5 (MANE Select); coding-DNA position 1201, G replaced by C.
Protein change: p.Ala401Pro; replaces alanine 401 with proline.
Molecular consequence: missense variant.
Genome position (GRCh38, 1-based): chr2:227,098,697, C>G on the plus strand (G>C on the coding strand, the complement: COL4A4 is on the minus strand). VCF-style: chr2-227098697-C-G. GRCh37 (hg19) VCF-style: chr2-227963413-C-G.
Other names: short protein forms A401P.
Identifiers: ClinVar variation 4730737 (VCV004730737.1).